The following is an entry in ClinVar:

ClinVar aggregate classification (germline): Uncertain significance (1 of 4 stars; one submission).

Allele frequency attached by ClinVar (database versions not stated): gnomAD exomes 0.00001; TOPMed 0.00002; gnomAD 0.00003.
gnomAD v4.1: 8 of 1,613,874 alleles (0.0005%); highest among the groups gnomAD compares: Non-Finnish European, 0.00068%; no homozygotes.

Submission:

Labcorp Genetics (formerly Invitae), Labcorp
Classification: Uncertain significance. Last evaluated: 2025-12-22. Review status: criteria provided, single submitter. Criteria: Invitae Variant Classification Sherloc (09022015). Collection method: clinical testing. Allele origin: germline.
Comment: This sequence change falls in intron 23 of the FLNB gene. It does not directly change the encoded amino acid sequence of the FLNB protein. It affects a nucleotide within the consensus splice site. This variant is present in population databases (no rsID available, gnomAD 0.01%). This variant has not been reported in the literature in individuals affected with FLNB-related conditions. ClinVar contains an entry for this variant (Variation ID: 1487204). Variants that disrupt the consensus splice site are a relatively common cause of aberrant splicing (PMID: 17576681, 9536098). Algorithms developed to predict the effect of sequence changes on RNA splicing suggest that this variant is not likely to affect RNA splicing. In summary, the available evidence is currently insufficient to determine the role of this variant in disease. Therefore, it has been classified as a Variant of Uncertain Significance.

Literature cited by the submitters: PubMed 17576681; PubMed 9536098.

NM_001457.4(FLNB):c.4061+5G>A

Gene: FLNB (filamin B; plus strand). Cytogenetic location: 3p14.3.
Variant type: single nucleotide variant.
Coding change: c.4061+5G>A on transcript NM_001457.4 (MANE Select); 5 bases into the intron after coding-DNA position 4061, G replaced by A.
Molecular consequence: intron variant.
Genome position (GRCh38, 1-based): chr3:58,125,748, G>A. VCF-style: chr3-58125748-G-A. GRCh37 (hg19) VCF-style: chr3-58111475-G-A.
Other names: c.4061+5G>A (NM_001164317.2, NM_001164318.2, NM_001164319.2).
Identifiers: ClinVar variation 1487204 (VCV001487204.6), dbSNP rs1476279757, ClinGen allele CA543248483.